The following is an entry in ClinVar:

ClinVar aggregate classification (germline): Pathogenic/Likely pathogenic. Review status: criteria provided, multiple submitters, no conflicts (2 of 4 stars). 2 submissions from 2 submitters: Pathogenic (1); Likely pathogenic (1). Last evaluated 2023-04-27.

Conditions:
Alstrom syndrome (ALMS). Identifiers: Orphanet 64, MedGen C0268425, MONDO:0008763, OMIM 203800.

Allele frequency attached by ClinVar (database versions not stated): gnomAD exomes 0.00001.
gnomAD v4.1: 5 of 1,613,802 alleles (0.00031%); highest among the groups gnomAD compares: Non-Finnish European, 0.00042%; no homozygotes.

Submissions (2):

Labcorp Genetics (formerly Invitae), Labcorp
Classification: Pathogenic for Alstrom syndrome. Last evaluated: 2023-04-27. Review status: criteria provided, single submitter. Criteria: Invitae Variant Classification Sherloc (09022015). Collection method: clinical testing. Allele origin: germline.
Comment: This sequence change creates a premature translational stop signal (p.Ser1525*) in the ALMS1 gene. It is expected to result in an absent or disrupted protein product. Loss-of-function variants in ALMS1 are known to be pathogenic (PMID: 17594715). For these reasons, this variant has been classified as Pathogenic. ClinVar contains an entry for this variant (Variation ID: 1452585). This variant has not been reported in the literature in individuals affected with ALMS1-related conditions. This variant is not present in population databases (gnomAD no frequency).

Fulgent Genetics
Classification: Likely pathogenic for Alstrom syndrome. Last evaluated: 2021-08-17. Review status: criteria provided, single submitter. Criteria: ACMG Guidelines, 2015. Collection method: clinical testing. Allele origin: unknown.

Literature cited by the submitters: PubMed 17594715 (cited by Labcorp Genetics (formerly Invitae), Labcorp).

NM_001378454.1(ALMS1):c.4571C>G (p.Ser1524Ter)

Gene: ALMS1 (ALMS1 centrosome and basal body associated protein; plus strand). Cytogenetic location: 2p13.1.
Variant type: single nucleotide variant.
Coding change: c.4571C>G on transcript NM_001378454.1 (MANE Select); coding-DNA position 4571, C replaced by G.
Protein change: p.Ser1524Ter; replaces serine 1524 with a stop codon.
Molecular consequence: nonsense.
Genome position (GRCh38, 1-based): chr2:73,451,098, C>G. VCF-style: chr2-73451098-C-G. GRCh37 (hg19) VCF-style: chr2-73678225-C-G.
Other names: c.4574C>G, p.Ser1525Ter (NM_015120.4); short protein forms S1525*, S1524*.
Identifiers: ClinVar variation 1452585 (VCV001452585.7), dbSNP rs1558649531, ClinGen allele CA347278811.